The following is an entry in ClinVar:

NM_001242957.3(MAK):c.488G>A (p.Arg163Lys)

Gene: MAK (male germ cell associated kinase; minus strand). Cytogenetic location: 6p24.2.
Variant type: single nucleotide variant.
Coding change: c.488G>A on transcript NM_001242957.3 (MANE Select); coding-DNA position 488, G replaced by A.
Protein change: p.Arg163Lys; replaces arginine 163 with lysine.
Molecular consequence: missense variant. On other transcripts: non-coding transcript variant (2).
Genome position (GRCh38, 1-based): chr6:10,808,813, C>T on the plus strand (G>A on the coding strand, the complement: MAK is on the minus strand). VCF-style: chr6-10808813-C-T. GRCh37 (hg19) VCF-style: chr6-10809046-C-T.
Other names: c.488G>A (NM_005906.4, NM_001242957.2); c.488G>A, p.Arg163Lys (NM_001242385.2, NM_005906.6); c.386G>A, p.Arg129Lys (NM_001377262.1); short protein forms R129K, R163K.
Identifiers: ClinVar variation 1051752 (VCV001051752.8), dbSNP rs768283205, ClinGen allele CA3633711.

ClinVar aggregate classification (germline): Uncertain significance. Review status: criteria provided, multiple submitters, no conflicts (2 of 4 stars). 4 submissions from 4 submitters: Uncertain significance (4). Last evaluated 2025-12-30.

Conditions:
MAK-related disorder. Also called: MAK-related condition.
Inborn genetic diseases. Identifiers: MedGen C0950123, MeSH D030342.

Allele frequency attached by ClinVar (database versions not stated): TOPMed 0.00005; ExAC 0.00007; gnomAD exomes 0.00009; gnomAD 0.00013 and 0.00014.

Submissions (4):

PreventionGenetics, part of Exact Sciences
Classification: Uncertain significance for MAK-related condition. Last evaluated: 2025-12-30. Review status: criteria provided, single submitter. Criteria: ACMG Guidelines, 2015. Collection method: clinical testing. Allele origin: germline.
Comment: The MAK c.488G>A variant is predicted to result in the amino acid substitution p.Arg163Lys. To our knowledge, this variant has not been reported in the literature. This variant is reported in 0.023% of alleles in individuals of European (Non-Finnish) descent in gnomAD. At this time, the clinical significance of this variant is uncertain due to the absence of conclusive functional and genetic evidence.

Labcorp Genetics (formerly Invitae), Labcorp
Classification: Uncertain significance. Last evaluated: 2024-12-02. Review status: criteria provided, single submitter. Criteria: Invitae Variant Classification Sherloc (09022015). Collection method: clinical testing. Allele origin: germline.
Comment: This sequence change replaces arginine with lysine at codon 163 of the MAK protein (p.Arg163Lys). The arginine residue is highly conserved and there is a small physicochemical difference between arginine and lysine. This variant is present in population databases (rs768283205, gnomAD 0.02%). This variant has not been reported in the literature in individuals affected with MAK-related conditions. ClinVar contains an entry for this variant (Variation ID: 1051752). Invitae Evidence Modeling of protein sequence and biophysical properties (such as structural, functional, and spatial information, amino acid conservation, physicochemical variation, residue mobility, and thermodynamic stability) indicates that this missense variant is expected to disrupt MAK protein function with a positive predictive value of 80%. In summary, the available evidence is currently insufficient to determine the role of this variant in disease. Therefore, it has been classified as a Variant of Uncertain Significance.

Blueprint Genetics
Classification: Uncertain significance. Last evaluated: 2024-11-18. Review status: criteria provided, single submitter. Criteria: ACMG Guidelines, 2015. Collection method: clinical testing. Allele origin: germline.

Ambry Genetics
Classification: Uncertain significance for Inborn genetic diseases. Last evaluated: 2024-10-29. Review status: criteria provided, single submitter. Criteria: Ambry Variant Classification Scheme 2023. Collection method: clinical testing. Allele origin: germline.